The following is an entry in ClinVar:

NM_003906.5(MCM3AP):c.2002G>C (p.Asp668His)

Gene: MCM3AP (minichromosome maintenance complex component 3 associated protein; minus strand). Cytogenetic location: 21q22.3.
Variant type: single nucleotide variant.
Coding change: c.2002G>C on transcript NM_003906.5 (MANE Select); coding-DNA position 2002, G replaced by C.
Protein change: p.Asp668His; replaces aspartic acid 668 with histidine.
Molecular consequence: missense variant.
Genome position (GRCh38, 1-based): chr21:46,273,582, C>G on the plus strand (G>C on the coding strand, the complement: MCM3AP is on the minus strand). VCF-style: chr21-46273582-C-G. GRCh37 (hg19) VCF-style: chr21-47693496-C-G.
Other names: c.2002G>C (NM_003906.3); short protein forms D668H.
Identifiers: ClinVar variation 1446538 (VCV001446538.4), dbSNP rs771821891, ClinGen allele CA10076900.

ClinVar aggregate classification (germline): Uncertain significance. Review status: criteria provided, multiple submitters, no conflicts (2 of 4 stars). 2 submissions from 2 submitters: Uncertain significance (2). Last evaluated 2025-07-15.

Conditions:
Inborn genetic diseases. Identifiers: MedGen C0950123, MeSH D030342.

Allele frequency attached by ClinVar (database versions not stated): ExAC 0.00001; gnomAD exomes 0.00001 and 0.00003; gnomAD 0.00003 and 0.00004; TOPMed 0.00003.
gnomAD v4.1: 25 of 1,613,346 alleles (0.0015%); highest among the groups gnomAD compares: Admixed American, 0.01%; no homozygotes.

Submissions (2):

Ambry Genetics
Classification: Uncertain significance for Inborn genetic diseases. Last evaluated: 2025-07-15. Review status: criteria provided, single submitter. Criteria: Ambry Variant Classification Scheme 2023. Collection method: clinical testing. Allele origin: germline.

Labcorp Genetics (formerly Invitae), Labcorp
Classification: Uncertain significance. Last evaluated: 2021-08-30. Review status: criteria provided, single submitter. Criteria: Invitae Variant Classification Sherloc (09022015). Collection method: clinical testing. Allele origin: germline.
Comment: This sequence change replaces aspartic acid with histidine at codon 668 of the MCM3AP protein (p.Asp668His). The aspartic acid residue is highly conserved and there is a moderate physicochemical difference between aspartic acid and histidine. This variant is present in population databases (rs771821891, ExAC 0.002%). This variant has not been reported in the literature in individuals affected with MCM3AP-related conditions. Algorithms developed to predict the effect of missense changes on protein structure and function (SIFT, PolyPhen-2, Align-GVGD) all suggest that this variant is likely to be disruptive. In summary, the available evidence is currently insufficient to determine the role of this variant in disease. Therefore, it has been classified as a Variant of Uncertain Significance.